The following is an entry in ClinVar:

NM_213655.5(WNK1):c.2264C>T (p.Pro755Leu)

Gene: WNK1 (WNK lysine deficient protein kinase 1; plus strand). Cytogenetic location: 12p13.33.
Variant type: single nucleotide variant.
Coding change: c.2264C>T on transcript NM_213655.5 (MANE Plus Clinical); coding-DNA position 2264, C replaced by T.
Protein change: p.Pro755Leu; replaces proline 755 with leucine.
Molecular consequence: missense variant. On other transcripts: intron variant (3).
Genome position (GRCh38, 1-based): chr12:865,234, C>T. VCF-style: chr12-865234-C-T. GRCh37 (hg19) VCF-style: chr12-974400-C-T.
Other names: c.2140-2632C>T (NM_001184985.2); c.2139+2964C>T (NM_018979.4, NM_014823.3); short protein forms P755L.
Identifiers: ClinVar variation 2936044 (VCV002936044.3), dbSNP rs1951560771, ClinGen allele CA383337673.

ClinVar aggregate classification (germline): Uncertain significance (1 of 4 stars; one submission).

Conditions:
Neuropathy, hereditary sensory and autonomic, type 2A (HSAN2A). Also called: ACROOSTEOLYSIS, GIACCAI TYPE; ACROOSTEOLYSIS, NEUROGENIC; MORVAN DISEASE; NEUROPATHY, CONGENITAL SENSORY; NEUROPATHY, HEREDITARY SENSORY RADICULAR, AUTOSOMAL RECESSIVE; NEUROPATHY, HEREDITARY SENSORY, TYPE IIA. Identifiers: Orphanet 970, MedGen C2752089, MONDO:0024309, OMIM 201300.
Pseudohypoaldosteronism type 2C (PHA2C). Also called: Pseudohypoaldosteronism Type IIC. Identifiers: Orphanet 757, Orphanet 88940, MedGen C1840391, MONDO:0013778, OMIM 614492.

gnomAD v4.1: 1 of 1,536,146 alleles (0.000065%); no homozygotes.

Submission:

Labcorp Genetics (formerly Invitae), Labcorp
Classification: Uncertain significance for Neuropathy, hereditary sensory and autonomic, type 2A; Pseudohypoaldosteronism type 2C. Last evaluated: 2023-02-14. Review status: criteria provided, single submitter. Criteria: Invitae Variant Classification Sherloc (09022015). Collection method: clinical testing. Allele origin: germline.
Comment: This sequence change replaces proline, which is neutral and non-polar, with leucine, which is neutral and non-polar, at codon 755 of the WNK1 protein (p.Pro755Leu). This variant is not present in population databases (gnomAD no frequency). This variant has not been reported in the literature in individuals affected with WNK1-related conditions. Advanced modeling of protein sequence and biophysical properties (such as structural, functional, and spatial information, amino acid conservation, physicochemical variation, residue mobility, and thermodynamic stability) performed at Invitae indicates that this missense variant is not expected to disrupt WNK1 protein function. In summary, the available evidence is currently insufficient to determine the role of this variant in disease. Therefore, it has been classified as a Variant of Uncertain Significance.